The following is an entry in ClinVar:

ClinVar aggregate classification (germline): Uncertain significance (1 of 4 stars; one submission).

Submission:

GeneDx
Classification: Uncertain significance. Last evaluated: 2021-01-06. Review status: criteria provided, single submitter. Criteria: GeneDx Variant Classification Process June 2021. Collection method: clinical testing. Allele origin: germline. Affected: yes.
Comment: Not observed in large population cohorts (Lek et al., 2016); In silico analysis supports that this missense variant does not alter protein structure/function; Has not been previously published as pathogenic or benign to our knowledge

NM_000435.3(NOTCH3):c.370C>G (p.Leu124Val)

Gene: NOTCH3 (notch receptor 3; minus strand). Cytogenetic location: 19p13.12.
Variant type: single nucleotide variant.
Coding change: c.370C>G on transcript NM_000435.3 (MANE Select); coding-DNA position 370, C replaced by G.
Protein change: p.Leu124Val; replaces leucine 124 with valine.
Molecular consequence: missense variant.
Genome position (GRCh38, 1-based): chr19:15,192,269, G>C on the plus strand (C>G on the coding strand, the complement: NOTCH3 is on the minus strand). VCF-style: chr19-15192269-G-C. GRCh37 (hg19) VCF-style: chr19-15303080-G-C.
Other names: short protein forms L124V.
Identifiers: ClinVar variation 1313774 (VCV001313774.2), dbSNP rs2145442481, ClinGen allele CA404534404.
Genomic context (GRCh38, chr19:15,192,269, plus strand): 5'-AGAGGAAGCGTCCATCGGGCCCCACTGAGCAGCGGGCACCGTGGGCACAAGGGCTGCTGA[G>C]GCAGGGATCTGGCAGGGAGCAGTCAGGGCCTGGAGGGACCAGGACAGGGTGAGTTTAGGA-3'
Protein context (NP_000426.2, residues 114-134): GPDCSLPDPC[Leu124Val]SSPCAHGARC